The following is an entry in ClinVar:

NM_017780.4(CHD7):c.3681A>G (p.Thr1227=)

Gene: CHD7 (chromodomain helicase DNA binding protein 7; plus strand). Cytogenetic location: 8q12.2.
Variant type: single nucleotide variant.
Coding change: c.3681A>G on transcript NM_017780.4 (MANE Select); coding-DNA position 3681, A replaced by G.
Protein change: p.Thr1227=; no amino-acid change (threonine 1227 retained).
Molecular consequence: synonymous variant. On other transcripts: intron variant (1).
Genome position (GRCh38, 1-based): chr8:60,830,480, A>G. VCF-style: chr8-60830480-A-G. GRCh37 (hg19) VCF-style: chr8-61743039-A-G.
Other names: c.1717-31749A>G (NM_001316690.1).
Identifiers: ClinVar variation 702911 (VCV000702911.33), dbSNP rs748869169, ClinGen allele CA4759997.
Genomic context (GRCh38, chr8:60,830,480, plus strand): 5'-AGTTGAGCTAACAAACATTCAGAAGAAATATTACCGAGCCATCCTTGAGAAGAATTTCAC[A>G]TTTCTTTCCAAAGGCGGTGGTCAAGCTAACGTACCTAACCTATTAAACACTATGATGGAA-3'
Protein context (NP_060250.2, residues 1217-1237): YYRAILEKNF[Thr1227=]FLSKGGGQAN

ClinVar aggregate classification (germline): Likely benign. Review status: criteria provided, multiple submitters, no conflicts (2 of 4 stars). 3 submissions from 3 submitters: Likely benign (3). Last evaluated 2025-12-08.

Conditions:
CHARGE syndrome (CHARGE). Also called: Hittner Hirsch Kreh syndrome; CHARGE ASSOCIATION--COLOBOMA, HEART ANOMALY, CHOANAL ATRESIA, RETARDATION, GENITAL AND EAR ANOMALIES; Coloboma, heart anomaly, choanal atresia, retardation, genital and ear anomalies; CHARGE association; Hall-Hittner syndrome. Identifiers: Orphanet 138, MedGen C0265354, MONDO:0008965.
Inborn genetic diseases. Identifiers: MedGen C0950123, MeSH D030342.

Allele frequency attached by ClinVar (database versions not stated): gnomAD 0.00001; ExAC 0.00002; gnomAD exomes 0.00002 and 0.00003; TOPMed 0.00002.
gnomAD v4.1: 42 of 1,613,902 alleles (0.0026%); highest among the groups gnomAD compares: Non-Finnish European, 0.0031%; no homozygotes.

Submissions (3):

Labcorp Genetics (formerly Invitae), Labcorp
Classification: Likely benign for CHARGE syndrome. Last evaluated: 2025-12-08. Review status: criteria provided, single submitter. Criteria: Invitae Variant Classification Sherloc (09022015). Collection method: clinical testing. Allele origin: germline.

CeGaT Center for Human Genetics Tuebingen
Classification: Likely benign. Last evaluated: 2022-07-01. Review status: criteria provided, single submitter. Criteria: CeGaT Center For Human Genetics Tuebingen Variant Classification Criteria Version 2. Collection method: clinical testing. Allele origin: germline. Affected: yes. Observed: 1 variant allele.
Comment: CHD7: BP4, BP7

Ambry Genetics
Classification: Likely benign for Inborn genetic diseases. Last evaluated: 2019-10-02. Review status: criteria provided, single submitter. Criteria: Ambry Variant Classification Scheme 2023. Collection method: clinical testing. Allele origin: germline.